The following is an entry in ClinVar:

ClinVar aggregate classification (germline): Likely pathogenic (1 of 4 stars; one submission).

Conditions:
Inborn genetic diseases. Identifiers: MedGen C0950123, MeSH D030342.

Submission:

Ambry Genetics
Classification: Likely pathogenic for Inborn genetic diseases. Last evaluated: 2026-04-22. Review status: criteria provided, single submitter. Criteria: Ambry Variant Classification Scheme 2023. Collection method: clinical testing. Allele origin: germline.
Comment: The c.122T>A (p.V41E) alteration is located in exon 2 (coding exon 2) of the HDAC8 gene. This alteration results from a T to A substitution at nucleotide position 122, causing the valine (V) at amino acid position 41 to be replaced by a glutamic acid (E). This variant was not reported in population-based cohorts in the Genome Aggregation Database (gnomAD). This amino acid position is highly conserved in available vertebrate species. This alteration is predicted to be deleterious by in silico analysis. Based on the available evidence, this alteration is classified as likely pathogenic.

NM_018486.3(HDAC8):c.122T>A (p.Val41Glu)

Gene: HDAC8 (histone deacetylase 8; minus strand). Cytogenetic location: Xq13.1.
Variant type: single nucleotide variant.
Coding change: c.122T>A on transcript NM_018486.3 (MANE Select); coding-DNA position 122, T replaced by A.
Protein change: p.Val41Glu; replaces valine 41 with glutamic acid.
Molecular consequence: missense variant. On other transcripts: non-coding transcript variant (1).
Genome position (GRCh38, 1-based): chrX:72,572,099, A>T on the plus strand (T>A on the coding strand, the complement: HDAC8 is on the minus strand). VCF-style: chrX-72572099-A-T. GRCh37 (hg19) VCF-style: chrX-71791949-A-T.
Other names: c.122T>A, p.Val41Glu (NM_001166418.2, NM_001166419.2, NM_001166420.2 and 2 more transcripts); short protein forms V41E.
Identifiers: ClinVar variation 986033 (VCV000986033.4), dbSNP rs2052107014, ClinGen allele CA413576666.